The following is an entry in ClinVar:

ClinVar aggregate classification (germline): Likely pathogenic (1 of 4 stars; one submission).

Conditions:
Inborn genetic diseases. Identifiers: MedGen C0950123, MeSH D030342.

Submission:

Ambry Genetics
Classification: Likely pathogenic for Hereditary disease. Last evaluated: 2017-06-22. Review status: criteria provided, single submitter. Criteria: ambry_reporting_categories_2017. Collection method: clinical testing. Allele origin: germline. Affected: yes. Observed: 1 heterozygote. Segregation with disease observed.
Comment: Lines of evidence used in support of classification: LIKELY POSITIVE: Relevant Alteration(s) Detected

Literature cited by the submitters: PubMed 20170896; PubMed 25801215; PubMed 26640227; PubMed 26733284; PubMed 26763883; PubMed 24028571; PubMed 28211986.

NM_198965.2(PTHLH):c.524+2T>C

Gene: PTHLH (parathyroid hormone like hormone; minus strand). Cytogenetic location: 12p11.22.
Variant type: single nucleotide variant.
Coding change: c.524+2T>C on transcript NM_198965.2 (MANE Select); the canonical splice donor site of the intron after coding-DNA position 524, T replaced by C.
Molecular consequence: splice donor variant. On other transcripts: stop lost (2).
Genome position (GRCh38, 1-based): chr12:27,963,346, A>G on the plus strand (T>C on the coding strand, the complement: PTHLH is on the minus strand). VCF-style: chr12-27963346-A-G. GRCh37 (hg19) VCF-style: chr12-28116279-A-G.
Other names: *176Q; c.526T>C, p.Ter176Gln (NM_002820.3, NM_198964.2); c.524+2T>C (NM_198966.2).
Identifiers: ClinVar variation 521834 (VCV000521834.3), dbSNP rs1555124505, ClinGen allele CA384338615.